The following is an entry in ClinVar:

ClinVar aggregate classification (germline): Uncertain significance (1 of 4 stars; one submission).

Submission:

Women's Health and Genetics/Laboratory Corporation of America, LabCorp
Classification: Uncertain significance. Last evaluated: 2020-04-27. Review status: criteria provided, single submitter. Criteria: LabCorp Variant Classification Summary - May 2015. Collection method: clinical testing. Allele origin: germline.
Comment: Variant summary: CBL c.2279_2346dup68 (p.Ala783ProfsX106) results in a premature termination codon, predicted to cause a truncation of the encoded protein or absence of the protein due to nonsense mediated decay. The variant was absent in 251434 control chromosomes (gnomAD). The available data on variant occurrences in the general population are insufficient to allow any conclusion about variant significance. To our knowledge, no occurrence of c.2279_2346dup68 in individuals affected with Noonan Syndrome And Related Conditions and no experimental evidence demonstrating its impact on protein function have been reported. No clinical diagnostic laboratories have submitted clinical-significance assessments for this variant to ClinVar after 2014. Based on the evidence outlined above, the variant was classified as uncertain significance.

NM_005188.4(CBL):c.2279_2346dup (p.Ala783fs)

Gene: CBL (Cbl proto-oncogene; plus strand). Cytogenetic location: 11q23.3.
Variant type: Duplication.
Coding change: c.2279_2346dup on transcript NM_005188.4 (MANE Select); coding-DNA positions 2279 to 2346, 68 bases duplicated.
Protein change: p.Ala783fs; shifts the reading frame from alanine 783.
Molecular consequence: frameshift variant.
Genome position (GRCh38, 1-based): chr11:119,298,385-119,298,452, 68 bases duplicated. GRCh37 (hg19): chr11:119,169,095-119,169,162.
Other names: short protein forms A783fs.
Identifiers: ClinVar variation 917808 (VCV000917808.1), dbSNP rs1950077753, ClinGen allele CA1139662403.